The following is an entry in ClinVar:

ClinVar aggregate classification (germline): Uncertain significance (1 of 4 stars; one submission).

gnomAD v4.1: 5 of 1,613,624 alleles (0.00031%); highest among the groups gnomAD compares: Non-Finnish European, 0.00042%; no homozygotes.

Submission:

Labcorp Genetics (formerly Invitae), Labcorp
Classification: Uncertain significance. Last evaluated: 2024-02-14. Review status: criteria provided, single submitter. Criteria: Invitae Variant Classification Sherloc (09022015). Collection method: clinical testing. Allele origin: germline.
Comment: This sequence change replaces arginine, which is basic and polar, with histidine, which is basic and polar, at codon 2515 of the TRRAP protein (p.Arg2515His). This variant is not present in population databases (gnomAD no frequency). This variant has not been reported in the literature in individuals affected with TRRAP-related conditions. Advanced modeling of protein sequence and biophysical properties (such as structural, functional, and spatial information, amino acid conservation, physicochemical variation, residue mobility, and thermodynamic stability) performed at Invitae indicates that this missense variant is not expected to disrupt TRRAP protein function with a negative predictive value of 80%. In summary, the available evidence is currently insufficient to determine the role of this variant in disease. Therefore, it has been classified as a Variant of Uncertain Significance.

NM_001375524.1(TRRAP):c.7619G>A (p.Arg2540His)

Gene: TRRAP (transformation/transcription domain associated protein; plus strand). Cytogenetic location: 7q22.1.
Variant type: single nucleotide variant.
Coding change: c.7619G>A on transcript NM_001375524.1 (MANE Select); coding-DNA position 7619, G replaced by A.
Protein change: p.Arg2540His; replaces arginine 2540 with histidine.
Molecular consequence: missense variant.
Genome position (GRCh38, 1-based): chr7:98,970,218, G>A. VCF-style: chr7-98970218-G-A. GRCh37 (hg19) VCF-style: chr7-98567841-G-A.
Other names: c.7544G>A, p.Arg2515His (NM_003496.4); c.7598G>A, p.Arg2533His (NM_001244580.2); short protein forms R2533H, R2515H, R2540H.
Identifiers: ClinVar variation 3718352 (VCV003718352.2).